The following is an entry in ClinVar:

NM_001035.3(RYR2):c.3694T>C (p.Leu1232=)

Gene: RYR2 (ryanodine receptor 2; plus strand). Cytogenetic location: 1q43.
Variant type: single nucleotide variant.
Coding change: c.3694T>C on transcript NM_001035.3 (MANE Select); coding-DNA position 3694, T replaced by C.
Protein change: p.Leu1232=; no amino-acid change (leucine 1232 retained).
Molecular consequence: synonymous variant.
Genome position (GRCh38, 1-based): chr1:237,589,888, T>C. VCF-style: chr1-237589888-T-C. GRCh37 (hg19) VCF-style: chr1-237753188-T-C.
Identifiers: ClinVar variation 3073347 (VCV003073347.1), dbSNP rs2546606701, ClinGen allele CA423819572.
Genomic context (GRCh38, chr1:237,589,888, plus strand): 5'-GTGGGTAGGATGAACTTTGGAAAGGATGTCAGCACCTTGAAATATTTCACCATCTGTGGC[T>C]TACAAGAGGGCTATGAACCATTTGCCGTTAATACAAACAGGGATATTACCATGTGGCTGA-3'
Protein context (NP_001026.2, residues 1222-1242): STLKYFTICG[Leu1232=]QEGYEPFAVN

ClinVar aggregate classification (germline): Likely benign (1 of 4 stars; one submission).

Conditions:
Catecholaminergic polymorphic ventricular tachycardia (CVPT). Also called: Catecholamine-induced polymorphic ventricular tachycardia. Identifiers: Orphanet 3286, MedGen C5574922, MONDO:0017990.

Submission:

All of Us Research Program, National Institutes of Health
Classification: Likely benign for Catecholaminergic polymorphic ventricular tachycardia. Last evaluated: 2023-09-04. Review status: criteria provided, single submitter. Criteria: ACMG Guidelines, 2015. Collection method: clinical testing. Allele origin: germline. Inheritance: Autosomal dominant inheritance. Observed: 1 variant allele, 1 heterozygote.
Comment: This study involves interpretation of variants in research participants for the purpose of population health screening. Participant phenotype was not available at the time of variant classification. Additional details can be found in publication PMID: 35346344, PMCID: PMC8962531